The following is an entry in ClinVar:

NM_001611.5(ACP5):c.293C>G (p.Ser98Cys)

Gene: ACP5 (acid phosphatase 5, tartrate resistant; minus strand). Cytogenetic location: 19p13.2.
Variant type: single nucleotide variant.
Coding change: c.293C>G on transcript NM_001611.5 (MANE Select); coding-DNA position 293, C replaced by G.
Protein change: p.Ser98Cys; replaces serine 98 with cysteine.
Molecular consequence: missense variant.
Genome position (GRCh38, 1-based): chr19:11,576,812, G>C on the plus strand (C>G on the coding strand, the complement: ACP5 is on the minus strand). VCF-style: chr19-11576812-G-C. GRCh37 (hg19) VCF-style: chr19-11687627-G-C.
Other names: c.293C>G, p.Ser98Cys (NM_001111034.3, NM_001111035.3, NM_001111036.3 and 5 more transcripts); short protein forms S98C.
Identifiers: ClinVar variation 4883672 (VCV004883672.2).

ClinVar aggregate classification (germline): Uncertain significance (1 of 4 stars; one submission).

Submission:

Dasa
Classification: Uncertain significance. Last evaluated: 2026-04-07. Review status: criteria provided, single submitter. Criteria: DASA Assertion Criteria. Collection method: clinical testing. Allele origin: germline.
Comment: NM_001611.5(ACP5):c.293C>G (p.Ser98Cys) is a missense variant that results in the substitution of serine with cysteine. This variant is rare in population databases. The currently available literature and clinical evidence are not sufficient to establish a definitive association between this variant and the reported condition. Therefore, this variant is classified as a variant of uncertain significance.